The following is an entry in ClinVar:

NM_001377.3(DYNC2H1):c.10813-2A>G

Gene: DYNC2H1 (dynein cytoplasmic 2 heavy chain 1; plus strand). Cytogenetic location: 11q22.3.
Variant type: single nucleotide variant.
Coding change: c.10813-2A>G on transcript NM_001377.3 (MANE Select); the canonical splice acceptor site of the intron before coding-DNA position 10813, A replaced by G.
Molecular consequence: splice acceptor variant.
Genome position (GRCh38, 1-based): chr11:103,283,006, A>G. VCF-style: chr11-103283006-A-G. GRCh37 (hg19) VCF-style: chr11-103153735-A-G.
Other names: c.10834-2A>G (NM_001080463.2).
Identifiers: ClinVar variation 4722604 (VCV004722604.2), dbSNP rs1424098674.

ClinVar aggregate classification (germline): Likely pathogenic. Review status: criteria provided, multiple submitters, no conflicts (2 of 4 stars). 2 submissions from 2 submitters: Likely pathogenic (2). Last evaluated 2025-09-24.

Conditions:
Jeune thoracic dystrophy. Also called: Jeune syndrome; Infantile thoracic dystrophy; Thoracic pelvic phalangeal dystrophy; Jeune's syndrome; Chondroectodermal dysplasia-like syndrome; Short-rib thoracic dysplasia. Identifiers: Orphanet 474, MedGen C0265275, MONDO:0018770.
DYNC2H1-related disorder. Also called: DYNC2H1-related condition; DYNC2H1-related disorders. Identifiers: MedGen CN378770.

gnomAD v4.1: 4 of 1,596,988 alleles (0.00025%); highest among the groups gnomAD compares: Admixed American, 0.0051%; no homozygotes.

Submissions (2):

Labcorp Genetics (formerly Invitae), Labcorp
Classification: Likely pathogenic for Jeune thoracic dystrophy. Last evaluated: 2025-09-24. Review status: criteria provided, single submitter. Criteria: Invitae Variant Classification Sherloc (09022015). Collection method: clinical testing. Allele origin: germline.
Comment: This sequence change affects an acceptor splice site in intron 73 of the DYNC2H1 gene. It is expected to disrupt RNA splicing. Variants that disrupt the donor or acceptor splice site typically lead to a loss of protein function (PMID: 16199547), and loss-of-function variants in DYNC2H1 are known to be pathogenic (PMID: 23339108, 32753734, 33755199). The frequency data for this variant in the population databases is considered unreliable, as metrics indicate poor data quality at this position in the gnomAD database. This variant has not been reported in the literature in individuals affected with DYNC2H1-related conditions. Algorithms developed to predict the effect of sequence changes on RNA splicing suggest that this variant may disrupt the consensus splice site. In summary, the currently available evidence indicates that the variant is pathogenic, but additional data are needed to prove that conclusively. Therefore, this variant has been classified as Likely Pathogenic.

Blueprint Genetics
Classification: Likely pathogenic for DYNC2H1-related disorders. Last evaluated: 2023-06-15. Review status: criteria provided, single submitter. Criteria: ACMG Guidelines, 2015. Collection method: clinical testing. Allele origin: germline. Affected: yes. Observed: 1 variant allele.

Literature cited by the submitters: PubMed 16199547 (cited by Labcorp Genetics (formerly Invitae), Labcorp); PubMed 23339108 (cited by Labcorp Genetics (formerly Invitae), Labcorp); PubMed 32753734 (cited by Labcorp Genetics (formerly Invitae), Labcorp); PubMed 33755199 (cited by Labcorp Genetics (formerly Invitae), Labcorp).